The following is an entry in ClinVar:

NM_000313.4(PROS1):c.1289T>C (p.Phe430Ser)

Gene: PROS1 (protein S; minus strand). Cytogenetic location: 3q11.1.
Variant type: single nucleotide variant.
Coding change: c.1289T>C on transcript NM_000313.4 (MANE Select); coding-DNA position 1289, T replaced by C.
Protein change: p.Phe430Ser; replaces phenylalanine 430 with serine.
Molecular consequence: missense variant.
Genome position (GRCh38, 1-based): chr3:93,886,370, A>G on the plus strand (T>C on the coding strand, the complement: PROS1 is on the minus strand). VCF-style: chr3-93886370-A-G. GRCh37 (hg19) VCF-style: chr3-93605214-A-G.
Other names: c.1385T>C, p.Phe462Ser (NM_001314077.2); short protein forms F430S, F462S.
Identifiers: ClinVar variation 4739180 (VCV004739180.1).

ClinVar aggregate classification (germline): Uncertain significance (1 of 4 stars; one submission).

Conditions:
Thrombophilia due to protein S deficiency, autosomal recessive (THPH6). Identifiers: Orphanet 743, MedGen C3281092, MONDO:0013791, OMIM 614514. Disease mechanism: loss of function.

gnomAD v4.1: 4 of 1,613,624 alleles (0.00025%); highest among the groups gnomAD compares: Admixed American, 0.005%; no homozygotes.

Submission:

Labcorp Genetics (formerly Invitae), Labcorp
Classification: Uncertain significance for Thrombophilia due to protein S deficiency, autosomal recessive. Last evaluated: 2025-08-29. Review status: criteria provided, single submitter. Criteria: Invitae Variant Classification Sherloc (09022015). Collection method: clinical testing. Allele origin: germline.
Comment: This sequence change replaces phenylalanine, which is neutral and non-polar, with serine, which is neutral and polar, at codon 430 of the PROS1 protein (p.Phe430Ser). This variant is present in population databases (rs752918810, gnomAD 0.006%). This variant has not been reported in the literature in individuals affected with PROS1-related conditions. Invitae Evidence Modeling of protein sequence and biophysical properties (such as structural, functional, and spatial information, amino acid conservation, physicochemical variation, residue mobility, and thermodynamic stability) indicates that this missense variant is not expected to disrupt PROS1 protein function with a negative predictive value of 80%. In summary, the available evidence is currently insufficient to determine the role of this variant in disease. Therefore, it has been classified as a Variant of Uncertain Significance.